The following is an entry in ClinVar:

NM_006904.7(PRKDC):c.7037C>T (p.Ala2346Val)

Gene: PRKDC (protein kinase, DNA-activated, catalytic subunit; minus strand). Cytogenetic location: 8q11.21.
Variant type: single nucleotide variant.
Coding change: c.7037C>T on transcript NM_006904.7 (MANE Select); coding-DNA position 7037, C replaced by T.
Protein change: p.Ala2346Val; replaces alanine 2346 with valine.
Molecular consequence: missense variant.
Genome position (GRCh38, 1-based): chr8:47,849,472, G>A on the plus strand (C>T on the coding strand, the complement: PRKDC is on the minus strand). VCF-style: chr8-47849472-G-A. GRCh37 (hg19) VCF-style: chr8-48762033-G-A.
Other names: c.7037C>T, p.Ala2346Val (NM_001081640.2); short protein forms A2346V.
Identifiers: ClinVar variation 1400412 (VCV001400412.4), dbSNP rs201543814, ClinGen allele CA4740189.

ClinVar aggregate classification (germline): Uncertain significance. Review status: criteria provided, multiple submitters, no conflicts (2 of 4 stars). 2 submissions from 2 submitters: Uncertain significance (2). Last evaluated 2024-10-18.

Conditions:
Severe combined immunodeficiency due to DNA-PKcs deficiency. Also called: Immunodeficiency 26 with or without neurologic abnormalities; IMMUNODEFICIENCY 26 WITH NEUROLOGIC ABNORMALITIES. Identifiers: Orphanet 317425, MedGen C4014833, MONDO:0014423, OMIM 615966.

Allele frequency attached by ClinVar (database versions not stated): TOPMed 0.00003; gnomAD 0.00006 and 0.00007; gnomAD exomes 0.00007 and 0.00012; 1000 Genomes Project 30x 0.00016; ESP Exome Variant Server 0.00017; 1000 Genomes Project 0.00020; ExAC 0.00022.
gnomAD v4.1: 113 of 1,613,892 alleles (0.007%); highest among the groups gnomAD compares: Non-Finnish European, 0.0065%; no homozygotes.

Submissions (2):

Blueprint Genetics
Classification: Uncertain significance. Last evaluated: 2024-10-18. Review status: criteria provided, single submitter. Criteria: ACMG Guidelines, 2015. Collection method: clinical testing. Allele origin: germline.

Labcorp Genetics (formerly Invitae), Labcorp
Classification: Uncertain significance for Severe combined immunodeficiency due to DNA-PKcs deficiency. Last evaluated: 2022-07-22. Review status: criteria provided, single submitter. Criteria: Invitae Variant Classification Sherloc (09022015). Collection method: clinical testing. Allele origin: germline.
Comment: This sequence change replaces alanine, which is neutral and non-polar, with valine, which is neutral and non-polar, at codon 2346 of the PRKDC protein (p.Ala2346Val). This variant is present in population databases (rs201543814, gnomAD 0.02%). This variant has not been reported in the literature in individuals affected with PRKDC-related conditions. ClinVar contains an entry for this variant (Variation ID: 1400412). Experimental studies and prediction algorithms are not available or were not evaluated, and the functional significance of this variant is currently unknown. In summary, the available evidence is currently insufficient to determine the role of this variant in disease. Therefore, it has been classified as a Variant of Uncertain Significance.